The following is an entry in ClinVar:

NM_001204.7(BMPR2):c.646G>A (p.Ala216Thr)

Gene: BMPR2 (bone morphogenetic protein receptor type 2; plus strand). Cytogenetic location: 2q33.2.
Variant type: single nucleotide variant.
Coding change: c.646G>A on transcript NM_001204.7 (MANE Select); coding-DNA position 646, G replaced by A.
Protein change: p.Ala216Thr; replaces alanine 216 with threonine.
Molecular consequence: missense variant.
Genome position (GRCh38, 1-based): chr2:202,518,846, G>A. VCF-style: chr2-202518846-G-A. GRCh37 (hg19) VCF-style: chr2-203383569-G-A.
Other names: short protein forms A216T.
Identifiers: ClinVar variation 3481298 (VCV003481298.1).
Genomic context (GRCh38, chr2:202,518,846, plus strand): 5'-GATATTAATACCTTGCTTTCTTTAAAACACTTGCAGCTGATTGGCCGAGGTCGATATGGA[G>A]CAGTATATAAAGGCTCCTTGGATGAGCGTCCAGTTGCTGTAAAAGTGTTTTCCTTTGCAA-3'
Protein context (NP_001195.2, residues 206-226): LELIGRGRYG[Ala216Thr]VYKGSLDERP

ClinVar aggregate classification (germline): Uncertain significance (1 of 4 stars; one submission).

Conditions:
Inborn genetic diseases. Identifiers: MedGen C0950123, MeSH D030342.

gnomAD v4.1: 1 of 1,614,210 alleles (0.000062%); no homozygotes.

Submission:

Ambry Genetics
Classification: Uncertain significance for Inborn genetic diseases. Last evaluated: 2024-11-25. Review status: criteria provided, single submitter. Criteria: Ambry Variant Classification Scheme 2023. Collection method: clinical testing. Allele origin: germline.
Comment: The p.A216T variant (also known as c.646G>A), located in coding exon 6 of the BMPR2 gene, results from a G to A substitution at nucleotide position 646. The alanine at codon 216 is replaced by threonine, an amino acid with similar properties. This amino acid position is conserved. In addition, this alteration is predicted to be tolerated by in silico analysis. Based on the available evidence, the clinical significance of this variant remains unclear.